The following is an entry in ClinVar:

NM_001854.4(COL11A1):c.1845+1G>A

Gene: COL11A1 (collagen type XI alpha 1 chain; minus strand). Cytogenetic location: 1p21.1.
Variant type: single nucleotide variant.
Coding change: c.1845+1G>A on transcript NM_001854.4 (MANE Select); the canonical splice donor site of the intron after coding-DNA position 1845, G replaced by A.
Molecular consequence: splice donor variant.
Genome position (GRCh38, 1-based): chr1:103,005,837, C>T on the plus strand (G>A on the coding strand, the complement: COL11A1 is on the minus strand). VCF-style: chr1-103005837-C-T. GRCh37 (hg19) VCF-style: chr1-103471393-C-T.
Other names: NC_000001.10:g.103471393C>T; c.1728+1G>A (NM_001190709.2); c.1881+1G>A (NM_080629.3); c.1497+1G>A (NM_080630.4).
Identifiers: ClinVar variation 4509703 (VCV004509703.2).

ClinVar aggregate classification (germline): Pathogenic (1 of 4 stars; one submission).

Conditions:
Stickler syndrome type 2 (STL2). Also called: STICKLER SYNDROME, TYPE II; STICKLER SYNDROME, BEADED VITREOUS TYPE; STICKLER SYNDROME, VITREOUS TYPE 2; COL11A1-Related Stickler Syndrome. Identifiers: Orphanet 828, Orphanet 90654, MedGen C1858084, MONDO:0011493, OMIM 604841.

Submissions (2):

Victorian Clinical Genetics Services, Murdoch Childrens Research Institute
Classification: Pathogenic for Stickler syndrome type 2. Last evaluated: 2026-07-11. Review status: criteria provided, single submitter. Criteria: ACMG Guidelines, 2015. Collection method: clinical testing. Allele origin: germline. Affected: yes.
Comment: This variant is classified as Pathogenic. Evidence in support of pathogenic classification: Canonical splice site variant without proven consequence on splicing (no functional evidence available); This variant is absent from gnomAD v4; This variant has limited previous evidence of pathogenicity in an unrelated individual. This variant has been reported in the literature in a heterozygous state in an individual with Stickler syndrome (PMID: 28983407); Other variants comparable to the one identified in this case have moderate previous evidence for pathogenicity. The c.1845+2T>A variant has been classified as pathogenic by a clinical laboratory in ClinVar, and the c.1845+5G>C variant has been reported in the literature as de novo in an individual with Sticker syndrome (PMID: 32558342); Abnormal splicing is predicted by in silico tool and affected nucleotide is highly conserved; Additional information: This variant is heterozygous; This gene is associated with both recessive and dominant disease. Both missense variants and those predicted to result in a premature termination codon have been associated with autosomal recessive and autosomal dominant disease. Additionally, autosomal recessive Stickler syndrome is usually caused by variants affecting exon 9 (PMIDs: 32578940, 25073711); No published evidence of segregation with disease has been identified for this variant; No published functional evidence has been identified for this variant; Dominant negative and loss of function are known mechanisms of disease in this gene. Loss of function variants have been associated with fibrochondrogenesis 1 (MIM#228520), Marshall syndrome (MIM#154780), and autosomal dominant deafness 37 (MIM#618533). Variants that exhibit a dominant negative effect are associated with autosomal dominant Stickler syndrome, type II (MIM#604841); Variants in this gene causing Stickler syndrome are known to have variable expressivity (PMID: 27081569).

Dr. Peter K. Rogan Lab, Western University
No classification provided (evidence only). Condition: Melanoma. Review status: no classification provided. Collection method: in vitro. Allele origin: not applicable. Functional consequence: skipped exon. Not counted in ClinVar's aggregate classification.

Literature cited by the submitters: PubMed 32578940 (cited by Victorian Clinical Genetics Services, Murdoch Childrens Research Institute); PubMed 28983407 (cited by Victorian Clinical Genetics Services, Murdoch Childrens Research Institute); PubMed 27081569 (cited by Victorian Clinical Genetics Services, Murdoch Childrens Research Institute); PubMed 32558342 (cited by Victorian Clinical Genetics Services, Murdoch Childrens Research Institute); PubMed 25073711 (cited by Victorian Clinical Genetics Services, Murdoch Childrens Research Institute).